The following is an entry in ClinVar:

ClinVar aggregate classification (germline): Uncertain significance (1 of 4 stars; one submission).

Allele frequency attached by ClinVar (database versions not stated): gnomAD 0.00001 and 0.00002; gnomAD exomes 0.00001; TOPMed 0.00005.
gnomAD v4.1: 17 of 1,614,148 alleles (0.0011%); highest among the groups gnomAD compares: African/African-American, 0.0027%; no homozygotes.

Submission:

Labcorp Genetics (formerly Invitae), Labcorp
Classification: Uncertain significance. Last evaluated: 2021-02-19. Review status: criteria provided, single submitter. Criteria: Invitae Variant Classification Sherloc (09022015). Collection method: clinical testing. Allele origin: germline.
Comment: In summary, the available evidence is currently insufficient to determine the role of this variant in disease. Therefore, it has been classified as a Variant of Uncertain Significance. Advanced modeling of protein sequence and biophysical properties (such as structural, functional, and spatial information, amino acid conservation, physicochemical variation, residue mobility, and thermodynamic stability) performed at Invitae indicates that this missense variant is not expected to disrupt TBX4 protein function. This variant has been observed in individual(s) with persistent pulmonary hypertension of the newborn (PPHN) (Invitae). This variant is not present in population databases (ExAC no frequency). This sequence change replaces proline with leucine at codon 288 of the TBX4 protein (p.Pro288Leu). The proline residue is moderately conserved and there is a moderate physicochemical difference between proline and leucine.

NM_001321120.2(TBX4):c.863C>T (p.Pro288Leu)

Gene: TBX4 (T-box transcription factor 4; plus strand). Cytogenetic location: 17q23.2.
Variant type: single nucleotide variant.
Coding change: c.863C>T on transcript NM_001321120.2 (MANE Select); coding-DNA position 863, C replaced by T.
Protein change: p.Pro288Leu; replaces proline 288 with leucine.
Molecular consequence: missense variant.
Genome position (GRCh38, 1-based): chr17:61,480,161, C>T. VCF-style: chr17-61480161-C-T. GRCh37 (hg19) VCF-style: chr17-59557522-C-T.
Other names: c.863C>T, p.Pro288Leu (NM_018488.3); short protein forms P288L.
Identifiers: ClinVar variation 1409931 (VCV001409931.6), dbSNP rs759150888, ClinGen allele CA292268030.
Genomic context (GRCh38, chr17:61,480,161, plus strand): 5'-CCGTGATTTCCAAAAGCATCATGAGGCAGAGGCTCATCTCCCCCCAGCTCTCAGCCACAC[C>T]GGACGTGGGCCCCCTGCTCGGCACCCACCAGGCACTCCAGCACTACCAGCACGAGAACGG-3'
Protein context (NP_001308049.1, residues 278-298): RLISPQLSAT[Pro288Leu]DVGPLLGTHQ